The following is an entry in ClinVar:

NM_001283009.2(RTEL1):c.2699T>A (p.Met900Lys)

Genes: RTEL1 (regulator of telomere elongation helicase 1; plus strand), RTEL1-TNFRSF6B (RTEL1-TNFRSF6B readthrough (NMD candidate); plus strand). Cytogenetic location: 20q13.33.
Variant type: single nucleotide variant.
Coding change: c.2699T>A on transcript NM_001283009.2 (MANE Select); coding-DNA position 2699, T replaced by A.
Protein change: p.Met900Lys; replaces methionine 900 with lysine.
Molecular consequence: missense variant. On other transcripts: non-coding transcript variant (1).
Genome position (GRCh38, 1-based): chr20:63,692,851, T>A. VCF-style: chr20-63692851-T-A. GRCh37 (hg19) VCF-style: chr20-62324204-T-A.
Other names: c.2030T>A, p.Met677Lys (NM_001283010.1); c.2699T>A, p.Met900Lys (NM_016434.4); c.2771T>A, p.Met924Lys (NM_032957.5); short protein forms M677K, M900K, M924K.
Identifiers: ClinVar variation 4157671 (VCV004157671.1).
Genomic context (GRCh38, chr20:63,692,851, plus strand): 5'-CCTGTGTCCTGCAGGAGGAGCCCGTGGCTGGTGCACAGACGGACAGGGCCAAGCTCTTCA[T>A]GGTGGCCGTGAAGCAGGAGTTGAGCCAAGCCAACTTTGCCACCTTCACCCAGGCCCTGCA-3'
Protein context (NP_001269938.1, residues 890-910): GAQTDRAKLF[Met900Lys]VAVKQELSQA

ClinVar aggregate classification (germline): Uncertain significance (1 of 4 stars; one submission).

Conditions:
Inborn genetic diseases. Identifiers: MedGen C0950123, MeSH D030342.

Submission:

Ambry Genetics
Classification: Uncertain significance for Inborn genetic diseases. Last evaluated: 2025-08-19. Review status: criteria provided, single submitter. Criteria: Ambry Variant Classification Scheme 2023. Collection method: clinical testing. Allele origin: germline.
Comment: The p.M900K variant (also known as c.2699T>A), located in coding exon 28 of the RTEL1 gene, results from a T to A substitution at nucleotide position 2699. The methionine at codon 900 is replaced by lysine, an amino acid with similar properties. This amino acid position is conserved. In addition, this alteration is predicted to be tolerated by in silico analysis. Based on the available evidence, the clinical significance of this variant remains unclear.